The following is an entry in ClinVar:

NM_000433.4(NCF2):c.1000+1G>A

Gene: NCF2 (neutrophil cytosolic factor 2; minus strand). Cytogenetic location: 1q25.3.
Variant type: single nucleotide variant.
Coding change: c.1000+1G>A on transcript NM_000433.4 (MANE Select); the canonical splice donor site of the intron after coding-DNA position 1000, G replaced by A.
Molecular consequence: splice donor variant.
Genome position (GRCh38, 1-based): chr1:183,565,703, C>T on the plus strand (G>A on the coding strand, the complement: NCF2 is on the minus strand). VCF-style: chr1-183565703-C-T. GRCh37 (hg19) VCF-style: chr1-183534838-C-T.
Other names: c.892+1G>A (NM_001410895.1); c.1000+1G>A (NM_001127651.3); c.757+1G>A (NM_001190789.2); c.865+1G>A (NM_001190794.2).
Identifiers: ClinVar variation 1466460 (VCV001466460.6), dbSNP rs2102887348, ClinGen allele CA343704896.
Genomic context (GRCh38, chr1:183,565,703, plus strand): 5'-CAGGAAGCAGCCTGGCATGCTGCTGCACCCAGACCTAGGCTGTGGCTCCAGGACCACTCA[C>T]CTGGTGACAGCTGGGGTCTTCCAGGGGCTTTGGAACTAGGAGGAGCTGGGATGTCGGACT-3'

ClinVar aggregate classification (germline): Likely pathogenic (1 of 4 stars; one submission).

Conditions:
Granulomatous disease, chronic, autosomal recessive, cytochrome b-positive, type 2. Also called: Chronic granulomatous disease due to deficiency of NCF-2; Chronic Granulomatous Disease, Autosomal Recessive, Cytochrome b-Positive, Type II; CGD, AUTOSOMAL RECESSIVE CYTOCHROME b-POSITIVE, TYPE II; GRANULOMATOUS DISEASE, CHRONIC, AUTOSOMAL RECESSIVE, 2; GRANULOMATOUS DISEASE, CHRONIC, DUE TO NCF2 DEFICIENCY. Identifiers: Orphanet 379, MedGen C1856245, MONDO:0009310, OMIM 233710.

Submission:

Labcorp Genetics (formerly Invitae), Labcorp
Classification: Likely pathogenic for Granulomatous disease, chronic, autosomal recessive, cytochrome b-positive, type 2. Last evaluated: 2021-08-16. Review status: criteria provided, single submitter. Criteria: Invitae Variant Classification Sherloc (09022015). Collection method: clinical testing. Allele origin: germline.
Comment: This sequence change affects a donor splice site in intron 10 of the NCF2 gene. It is expected to disrupt RNA splicing. Variants that disrupt the donor or acceptor splice site typically lead to a loss of protein function (PMID: 16199547), and loss-of-function variants in NCF2 are known to be pathogenic (PMID: 10498624, 20167518). This variant is not present in population databases (ExAC no frequency). Disruption of this splice site has been observed in individual(s) with NCF2-related conditions (PMID: 26272171). Algorithms developed to predict the effect of sequence changes on RNA splicing suggest that this variant may disrupt the consensus splice site. In summary, the currently available evidence indicates that the variant is pathogenic, but additional data are needed to prove that conclusively. Therefore, this variant has been classified as Likely Pathogenic.

Literature cited by the submitters: PubMed 16199547; PubMed 10498624; PubMed 20167518; PubMed 26272171.